The following is an entry in ClinVar:

NM_139318.5(KCNH5):c.812T>C (p.Val271Ala)

Gene: KCNH5 (potassium voltage-gated channel subfamily H member 5; minus strand). Cytogenetic location: 14q23.2.
Variant type: single nucleotide variant.
Coding change: c.812T>C on transcript NM_139318.5 (MANE Select); coding-DNA position 812, T replaced by C.
Protein change: p.Val271Ala; replaces valine 271 with alanine.
Molecular consequence: missense variant.
Genome position (GRCh38, 1-based): chr14:62,981,002, A>G on the plus strand (T>C on the coding strand, the complement: KCNH5 is on the minus strand). VCF-style: chr14-62981002-A-G. GRCh37 (hg19) VCF-style: chr14-63447720-A-G.
Other names: c.812T>C, p.Val271Ala (NM_172375.3); short protein forms V271A.
Identifiers: ClinVar variation 3393717 (VCV003393717.1).

ClinVar aggregate classification (germline): Uncertain significance (1 of 4 stars; one submission).

Submission:

GeneDx
Classification: Uncertain significance. Last evaluated: 2024-07-02. Review status: criteria provided, single submitter. Criteria: GeneDx Variant Classification Process June 2021. Collection method: clinical testing. Allele origin: germline. Affected: yes.
Comment: In silico analysis supports that this missense variant has a deleterious effect on protein structure/function; Not observed at significant frequency in large population cohorts (gnomAD); Has not been previously published as pathogenic or benign to our knowledge